The following is an entry in ClinVar:

ClinVar aggregate classification (germline): Uncertain significance (1 of 4 stars; one submission).

gnomAD v4.1: 1 of 1,614,144 alleles (0.000062%); highest among the groups gnomAD compares: Non-Finnish European, 0.000085%; no homozygotes.

Submission:

Labcorp Genetics (formerly Invitae), Labcorp
Classification: Uncertain significance. Last evaluated: 2022-08-28. Review status: criteria provided, single submitter. Criteria: Invitae Variant Classification Sherloc (09022015). Collection method: clinical testing. Allele origin: germline.
Comment: This sequence change replaces arginine, which is basic and polar, with threonine, which is neutral and polar, at codon 86 of the PRPF8 protein (p.Arg86Thr). This variant is not present in population databases (gnomAD no frequency). This variant has not been reported in the literature in individuals affected with PRPF8-related conditions. Algorithms developed to predict the effect of missense changes on protein structure and function are either unavailable or do not agree on the potential impact of this missense change (SIFT: "Deleterious"; PolyPhen-2: "Probably Damaging"; Align-GVGD: "Class C0"). In summary, the available evidence is currently insufficient to determine the role of this variant in disease. Therefore, it has been classified as a Variant of Uncertain Significance.

NM_006445.4(PRPF8):c.257G>C (p.Arg86Thr)

Gene: PRPF8 (pre-mRNA processing factor 8; minus strand). Cytogenetic location: 17p13.3.
Variant type: single nucleotide variant.
Coding change: c.257G>C on transcript NM_006445.4 (MANE Select); coding-DNA position 257, G replaced by C.
Protein change: p.Arg86Thr; replaces arginine 86 with threonine.
Molecular consequence: missense variant.
Genome position (GRCh38, 1-based): chr17:1,683,545, C>G on the plus strand (G>C on the coding strand, the complement: PRPF8 is on the minus strand). VCF-style: chr17-1683545-C-G. GRCh37 (hg19) VCF-style: chr17-1586839-C-G.
Other names: short protein forms R86T.
Identifiers: ClinVar variation 1718203 (VCV001718203.6), dbSNP rs2543787541, ClinGen allele CA397570588.